The following is an entry in ClinVar:

NM_201596.3(CACNB2):c.665C>T (p.Ser222Leu)

Gene: CACNB2 (calcium voltage-gated channel auxiliary subunit beta 2; plus strand). Cytogenetic location: 10p12.31.
Variant type: single nucleotide variant.
Coding change: c.665C>T on transcript NM_201596.3 (MANE Select); coding-DNA position 665, C replaced by T.
Protein change: p.Ser222Leu; replaces serine 222 with leucine.
Molecular consequence: missense variant.
Genome position (GRCh38, 1-based): chr10:18,506,542, C>T. VCF-style: chr10-18506542-C-T. GRCh37 (hg19) VCF-style: chr10-18795471-C-T.
Other names: p.S167L:TCA>TTA; c.500C>T, p.Ser167Leu (NM_000724.4, NM_001330060.2); c.581C>T, p.Ser194Leu (NM_001167945.2, NM_201571.4, NM_201572.4); c.521C>T, p.Ser174Leu (NM_201570.3); c.503C>T, p.Ser168Leu (NM_201590.3); c.665C>T, p.Ser222Leu (NM_201593.3, NM_201597.3); short protein forms S167L, S168L, S222L, S194L, S174L.
Identifiers: ClinVar variation 190723 (VCV000190723.13), dbSNP rs761542420, ClinGen allele CA301836.
Genomic context (GRCh38, chr10:18,506,542, plus strand): 5'-GAAATTCATCATCCAGTTTGGGTGACATAGTACCTAGTTCCAGAAAATCAACACCTCCAT[C>T]ATCTGGTAAGTAGGTGATAAATGCTGAATAATACATACTGCATTTCATGCTTTCCCCAGC-3'
Protein context (NP_963890.2, residues 212-232): VPSSRKSTPP[Ser222Leu]SAIDIDATGL

ClinVar aggregate classification (germline): Uncertain significance. Review status: criteria provided, multiple submitters, no conflicts (2 of 4 stars). 4 submissions from 4 submitters: Uncertain significance (4). Last evaluated 2025-11-24.

Conditions:
Cardiovascular phenotype. Identifiers: MedGen CN230736.
Brugada syndrome 4 (BRGDA4). Identifiers: Orphanet 130, MedGen C2678477, MONDO:0012743, OMIM 611876.

Allele frequency attached by ClinVar (database versions not stated): gnomAD exomes 0.00001 and below 0.00001; TOPMed 0.00002; ExAC 0.00001; gnomAD 0.00001.
gnomAD v4.1: 6 of 1,578,644 alleles (0.00038%); highest among the groups gnomAD compares: Admixed American, 0.0067%; no homozygotes.

Submissions (4):

Labcorp Genetics (formerly Invitae), Labcorp
Classification: Uncertain significance for Brugada syndrome 4. Last evaluated: 2025-11-24. Review status: criteria provided, single submitter. Criteria: Invitae Variant Classification Sherloc (09022015). Collection method: clinical testing. Allele origin: germline.
Comment: This sequence change replaces serine, which is neutral and polar, with leucine, which is neutral and non-polar, at codon 168 of the CACNB2 protein (p.Ser168Leu). This variant is present in population databases (rs761542420, gnomAD 0.006%). This variant has not been reported in the literature in individuals affected with CACNB2-related conditions. ClinVar contains an entry for this variant (Variation ID: 190723). Invitae Evidence Modeling of protein sequence and biophysical properties (such as structural, functional, and spatial information, amino acid conservation, physicochemical variation, residue mobility, and thermodynamic stability) indicates that this missense variant is not expected to disrupt CACNB2 protein function with a negative predictive value of 80%. In summary, the available evidence is currently insufficient to determine the role of this variant in disease. Therefore, it has been classified as a Variant of Uncertain Significance.

Ambry Genetics
Classification: Uncertain significance for Cardiovascular phenotype. Last evaluated: 2024-04-23. Review status: criteria provided, single submitter. Criteria: Ambry Variant Classification Scheme 2023. Collection method: clinical testing. Allele origin: germline.
Comment: The p.S168L variant (also known as c.503C>T), located in coding exon 5 of the CACNB2 gene, results from a C to T substitution at nucleotide position 503. The serine at codon 168 is replaced by leucine, an amino acid with dissimilar properties. This amino acid position is highly conserved in available vertebrate species. In addition, this alteration is predicted to be deleterious by in silico analysis. Since supporting evidence is limited at this time, the clinical significance of this alteration remains unclear.

Fulgent Genetics
Classification: Uncertain significance for Brugada syndrome 4. Last evaluated: 2021-07-27. Review status: criteria provided, single submitter. Criteria: ACMG Guidelines, 2015. Collection method: clinical testing. Allele origin: unknown.

GeneDx
Classification: Uncertain significance. Last evaluated: 2014-06-12. Review status: criteria provided, single submitter. Criteria: GeneDx Variant Classification (06012015). Collection method: clinical testing. Allele origin: germline. Affected: yes.
Comment: p.Ser167Leu (TCA>TTA): c.500 C>T in exon 5 of the CACNB2 gene (NM_000724.3). A variant of unknown significance has been identified in the CACNB2 gene. The S167L variant has not been published as a mutation, nor has it been reported as a benign polymorphism to our knowledge. The S167L variant was not observed in approximately 6,500 individuals of European and African American ancestry in the NHLBI Exome Sequencing Project, indicating it is not a common benign variant in these populations. Another missense mutation in a nearby residue (S160T) has been reported in association with early repolarization syndrome. The S167L variant is a non-conservative amino acid substitution, which is likely to impact secondary protein structure as these residues differ in polarity, charge, size and/or other properties. This substitution occurs at a position that is conserved when present across species. However, in silico analysis is inconsistent in its predictions as to whether or not the variant is damaging to the protein structure/function. Therefore, based on the currently available information, it is unclear whether this variant is a pathogenic mutation or a rare benign variant. The variant is found in ARRHYTHMIA panel(s).